The following is an entry in ClinVar:

ClinVar aggregate classification (germline): Uncertain significance. Review status: criteria provided, multiple submitters, no conflicts (2 of 4 stars). 2 submissions from 2 submitters: Uncertain significance (2). Last evaluated 2026-07-02.

Conditions:
Hereditary cancer-predisposing syndrome. Also called: Hereditary Cancer Syndrome; Tumor predisposition; Neoplastic Syndromes, Hereditary; Hereditary neoplastic syndrome. Identifiers: Orphanet 140162, MedGen C0027672, MeSH D009386, MONDO:0015356.
Hereditary nonpolyposis colorectal neoplasms. Identifiers: MedGen C0009405, MeSH D003123.

Submissions (2):

Ambry Genetics
Classification: Uncertain significance for Hereditary cancer-predisposing syndrome. Last evaluated: 2026-07-02. Review status: criteria provided, single submitter. Criteria: Ambry Variant Classification Scheme 2023. Collection method: clinical testing. Allele origin: germline.
Comment: The p.E446V variant (also known as c.1337A>T), located in coding exon 4 of the MSH6 gene, results from an A to T substitution at nucleotide position 1337. The glutamic acid at codon 446 is replaced by valine, an amino acid with dissimilar properties. This amino acid position is conserved. In addition, this alteration is predicted to be deleterious by in silico analysis. Based on the available evidence, the clinical significance of this variant remains unclear.

Labcorp Genetics (formerly Invitae), Labcorp
Classification: Uncertain significance for Hereditary nonpolyposis colorectal neoplasms. Last evaluated: 2021-11-25. Review status: criteria provided, single submitter. Criteria: Invitae Variant Classification Sherloc (09022015). Collection method: clinical testing. Allele origin: germline.
Comment: In summary, the available evidence is currently insufficient to determine the role of this variant in disease. Therefore, it has been classified as a Variant of Uncertain Significance. Algorithms developed to predict the effect of missense changes on protein structure and function (SIFT, PolyPhen-2, Align-GVGD) all suggest that this variant is likely to be disruptive. This variant has not been reported in the literature in individuals affected with MSH6-related conditions. This variant is not present in population databases (gnomAD no frequency). This sequence change replaces glutamic acid, which is acidic and polar, with valine, which is neutral and non-polar, at codon 446 of the MSH6 protein (p.Glu446Val).

NM_000179.3(MSH6):c.1337A>T (p.Glu446Val)

Gene: MSH6 (mutS homolog 6; plus strand). Cytogenetic location: 2p16.3.
Variant type: single nucleotide variant.
Coding change: c.1337A>T on transcript NM_000179.3 (MANE Select); coding-DNA position 1337, A replaced by T.
Protein change: p.Glu446Val; replaces glutamic acid 446 with valine.
Molecular consequence: missense variant.
Genome position (GRCh38, 1-based): chr2:47,799,320, A>T. VCF-style: chr2-47799320-A-T. GRCh37 (hg19) VCF-style: chr2-48026459-A-T.
Other names: c.947A>T, p.Glu316Val (NM_001281492.2); c.431A>T, p.Glu144Val (NM_001281493.2, NM_001281494.2); c.1337A>T (NM_000179.2); short protein forms E144V, E316V, E446V.
Identifiers: ClinVar variation 1474054 (VCV001474054.7), dbSNP rs2104337296, ClinGen allele CA346744567.